The following is an entry in ClinVar:

NM_032776.3(JMJD1C):c.2255G>A (p.Gly752Asp)

Gene: JMJD1C (jumonji domain containing 1C; minus strand). Cytogenetic location: 10q21.3.
Variant type: single nucleotide variant.
Coding change: c.2255G>A on transcript NM_032776.3 (MANE Select); coding-DNA position 2255, G replaced by A.
Protein change: p.Gly752Asp; replaces glycine 752 with aspartic acid.
Molecular consequence: missense variant. On other transcripts: non-coding transcript variant (1).
Genome position (GRCh38, 1-based): chr10:63,213,912, C>T on the plus strand (G>A on the coding strand, the complement: JMJD1C is on the minus strand). VCF-style: chr10-63213912-C-T. GRCh37 (hg19) VCF-style: chr10-64973672-C-T.
Other names: c.1709G>A, p.Gly570Asp (NM_001282948.2, NM_001318154.2); c.1391G>A, p.Gly464Asp (NM_001318153.2); c.2141G>A, p.Gly714Asp (NM_001322252.2); c.1598G>A, p.Gly533Asp (NM_001322254.2, NM_001322258.2); short protein forms G714D, G464D, G570D, G533D, G752D.
Identifiers: ClinVar variation 2764511 (VCV002764511.3), dbSNP rs2492770355, ClinGen allele CA377046357.

ClinVar aggregate classification (germline): Uncertain significance (1 of 4 stars; one submission).

Conditions:
Early Myoclonic Encephalopathy. Identifiers: MedGen C0270855.

Submission:

Labcorp Genetics (formerly Invitae), Labcorp
Classification: Uncertain significance for Early Myoclonic Encephalopathy. Last evaluated: 2023-09-30. Review status: criteria provided, single submitter. Criteria: Invitae Variant Classification Sherloc (09022015). Collection method: clinical testing. Allele origin: germline.
Comment: This variant has not been reported in the literature in individuals affected with JMJD1C-related conditions. Advanced modeling of protein sequence and biophysical properties (such as structural, functional, and spatial information, amino acid conservation, physicochemical variation, residue mobility, and thermodynamic stability) performed at Invitae indicates that this missense variant is not expected to disrupt JMJD1C protein function. This variant is not present in population databases (gnomAD no frequency). In summary, the available evidence is currently insufficient to determine the role of this variant in disease. Therefore, it has been classified as a Variant of Uncertain Significance. This sequence change replaces glycine, which is neutral and non-polar, with aspartic acid, which is acidic and polar, at codon 752 of the JMJD1C protein (p.Gly752Asp).